The following is an entry in ClinVar:

NM_032417.4(SPANXD):c.160C>A (p.Arg54Ser)

Gene: SPANXD (SPANX family member D; minus strand). Cytogenetic location: Xq27.2.
Variant type: single nucleotide variant.
Coding change: c.160C>A on transcript NM_032417.4 (MANE Select); coding-DNA position 160, C replaced by A.
Protein change: p.Arg54Ser; replaces arginine 54 with serine.
Molecular consequence: missense variant.
Genome position (GRCh38, 1-based): chrX:141,697,599, G>T on the plus strand (C>A on the coding strand, the complement: SPANXD is on the minus strand). VCF-style: chrX-141697599-G-T. GRCh37 (hg19) VCF-style: chrX-140785756-G-T.
Other names: short protein forms R54S.
Identifiers: ClinVar variation 2661548 (VCV002661548.25), dbSNP rs373261190, ClinGen allele CA10532308.

ClinVar aggregate classification (germline): Likely benign. Review status: criteria provided, multiple submitters, no conflicts (2 of 4 stars). 2 submissions from 2 submitters: Likely benign (2). Last evaluated 2023-04-01.

Allele frequency attached by ClinVar (database versions not stated): ESP Exome Variant Server 0.00009.
gnomAD v4.1: 82 of 1,201,481 alleles (0.0068%); highest among the groups gnomAD compares: Middle Eastern, 0.33%; 2 homozygotes.

Submissions (2):

CeGaT Center for Human Genetics Tuebingen
Classification: Likely benign. Last evaluated: 2023-04-01. Review status: criteria provided, single submitter. Criteria: CeGaT Center For Human Genetics Tuebingen Variant Classification Criteria Version 2. Collection method: clinical testing. Allele origin: germline. Affected: yes. Observed: 1 variant allele.
Comment: SPANXD: BP4, BS2

Breakthrough Genomics
Classification: Likely benign. Review status: criteria provided, single submitter. Criteria: ACMG Guidelines, 2015. Collection method: not provided. Allele origin: germline. Inheritance: Unknown mechanism. Affected: yes.